The following is an entry in ClinVar:

ClinVar aggregate classification (germline): Pathogenic. Review status: criteria provided, multiple submitters, no conflicts (2 of 4 stars). 3 submissions from 3 submitters: Pathogenic (2). 1 of the submissions does not count toward it. Last evaluated 2024-04-22.

Conditions:
Hereditary spastic paraplegia 52 (SPG52). Also called: CEREBRAL PALSY, SPASTIC QUADRIPLEGIC, 6; SPASTIC PARAPLEGIA 52, AUTOSOMAL RECESSIVE. Identifiers: Orphanet 280763, MedGen C3279743, MONDO:0013552, OMIM 614067.
Spastic paraplegia. Identifiers: MedGen C0037772, HP:0001258.

Allele frequency attached by ClinVar (database versions not stated): gnomAD 0.00004 and 0.00003; TOPMed 0.00003; gnomAD exomes below 0.00001.
gnomAD v4.1: 7 of 1,613,822 alleles (0.00043%); highest among the groups gnomAD compares: African/African-American, 0.004%; no homozygotes.

Submissions (3):

University of Science and Technology Houari Boumediene, Laboratory of Molecular and Cellular Biology (LBCM)
Classification: Pathogenic for Hereditary spastic paraplegia 52. Last evaluated: 2024-04-22. Review status: criteria provided, single submitter. Criteria: ACMG Guidelines, 2015. Collection method: research. Allele origin: biparental. Inheritance: Autosomal recessive inheritance. Affected: yes. Observed: 2 variant alleles, 2 homozygotes. Clinical features observed: Spastic paraplegia (HP:0001258), Moderate intellectual disability (HP:0002342), Thin corpus callosum (HP:0033725), Abnormal facial shape (HP:0001999).
Comment: This variant is classified as pathogenic because it is a stop-gain variant identified in the homozygote state in two patients. In silico prediction tools, including CADD and MutationTaster, predict this variant to be disease-causing. ClinVar contains an entry for this variant (Variation ID: 577104), it’s classified as pathogenic/Likely Pathogenic. This variant is not reported in the 1000 Genomes Project but is present at a low frequency in the gnomAD database [AF = 4e-6]. This variant is associated with the following publication (PMID:27444738).

Labcorp Genetics (formerly Invitae), Labcorp
Classification: Pathogenic for Spastic paraplegia. Last evaluated: 2017-10-18. Review status: criteria provided, single submitter. Criteria: Invitae Variant Classification Sherloc (09022015). Collection method: clinical testing. Allele origin: germline.
Comment: This variant is present in population databases (rs754944359, ExAC 0.001%). This sequence change creates a premature translational stop signal (p.Arg15*) in the AP4S1 gene. It is expected to result in an absent or disrupted protein product. This variant has been reported in an individual affected with complicated hereditary spastic paraplegia (PMID: 27444738). Loss-of-function variants in AP4S1 are known to be pathogenic (PMID: 21620353, 25552650, 27444738). For these reasons, this variant has been classified as Pathogenic.

Yale Center for Mendelian Genomics, Yale University
Classification: Likely pathogenic for Spastic paraplegia. Last evaluated: 2020-10-01. Review status: no assertion criteria provided. Collection method: literature only. Allele origin: germline. Affected: yes. Observed: 1 homozygote. Study: Yale Center for Mendelian Genomics. Not counted in ClinVar's aggregate classification.

Literature cited by the submitters: PubMed 27444738 (cited by Labcorp Genetics (formerly Invitae), Labcorp); PubMed 21620353 (cited by Labcorp Genetics (formerly Invitae), Labcorp); PubMed 25552650 (cited by Labcorp Genetics (formerly Invitae), Labcorp); PubMed 32979048 (cited by Yale Center for Mendelian Genomics, Yale University).

NM_001128126.3(AP4S1):c.43C>T (p.Arg15Ter)

Gene: AP4S1 (adaptor related protein complex 4 subunit sigma 1; plus strand). Cytogenetic location: 14q12.
Variant type: single nucleotide variant.
Coding change: c.43C>T on transcript NM_001128126.3 (MANE Select); coding-DNA position 43, C replaced by T.
Protein change: p.Arg15Ter; replaces arginine 15 with a stop codon.
Molecular consequence: nonsense.
Genome position (GRCh38, 1-based): chr14:31,066,239, C>T. VCF-style: chr14-31066239-C-T. GRCh37 (hg19) VCF-style: chr14-31535445-C-T.
Other names: p.Arg15Ter; c.43C>T, p.Arg15Ter (NM_001254726.2, NM_001254727.2, NM_001254728.2 and 2 more transcripts); short protein forms R15*.
Identifiers: ClinVar variation 577104 (VCV000577104.10), dbSNP rs754944359, ClinGen allele CA7144127.